The following is an entry in ClinVar:

NM_000395.3(CSF2RB):c.2154A>G (p.Val718=)

Gene: CSF2RB (colony stimulating factor 2 receptor subunit beta; plus strand). Cytogenetic location: 22q12.3.
Variant type: single nucleotide variant.
Coding change: c.2154A>G on transcript NM_000395.3 (MANE Select); coding-DNA position 2154, A replaced by G.
Protein change: p.Val718=; no amino-acid change (valine 718 retained).
Molecular consequence: synonymous variant.
Genome position (GRCh38, 1-based): chr22:36,937,962, A>G. VCF-style: chr22-36937962-A-G. GRCh37 (hg19) VCF-style: chr22-37334004-A-G.
Other names: c.2154A>G (NM_000395.2).
Identifiers: ClinVar variation 1658212 (VCV001658212.9), dbSNP rs778642190, ClinGen allele CA10214048.

ClinVar aggregate classification (germline): Likely benign. Review status: criteria provided, multiple submitters, no conflicts (2 of 4 stars). 2 submissions from 2 submitters: Likely benign (2). Last evaluated 2024-10-16.

Conditions:
CSF2RB-related disorder. Also called: CSF2RB-related condition.

Allele frequency attached by ClinVar (database versions not stated): gnomAD exomes 0.00003 and 0.00010; gnomAD 0.00004; TOPMed 0.00004; ExAC 0.00010.
gnomAD v4.1: 55 of 1,613,850 alleles (0.0034%); highest among the groups gnomAD compares: East Asian, 0.018%; no homozygotes.

Submissions (2):

PreventionGenetics, part of Exact Sciences
Classification: Likely benign for CSF2RB-related condition. Last evaluated: 2024-10-16. Review status: criteria provided, single submitter. Criteria: ACMG Guidelines, 2015. Collection method: clinical testing. Allele origin: germline.
Comment: This variant is classified as likely benign based on ACMG/AMP sequence variant interpretation guidelines (Richards et al. 2015 PMID: 25741868, with internal and published modifications).

Labcorp Genetics (formerly Invitae), Labcorp
Classification: Likely benign. Last evaluated: 2023-11-10. Review status: criteria provided, single submitter. Criteria: Invitae Variant Classification Sherloc (09022015). Collection method: clinical testing. Allele origin: germline.